The following is an entry in ClinVar:

NM_138477.4(CDAN1):c.2534G>A (p.Gly845Glu)

Gene: CDAN1 (codanin 1; minus strand). Cytogenetic location: 15q15.2.
Variant type: single nucleotide variant.
Coding change: c.2534G>A on transcript NM_138477.4 (MANE Select); coding-DNA position 2534, G replaced by A.
Protein change: p.Gly845Glu; replaces glycine 845 with glutamic acid.
Molecular consequence: missense variant.
Genome position (GRCh38, 1-based): chr15:42,729,236, C>T on the plus strand (G>A on the coding strand, the complement: CDAN1 is on the minus strand). VCF-style: chr15-42729236-C-T. GRCh37 (hg19) VCF-style: chr15-43021434-C-T.
Other names: short protein forms G845E.
Identifiers: ClinVar variation 1985976 (VCV001985976.2), dbSNP rs779110523, ClinGen allele CA7515629.

ClinVar aggregate classification (germline): Uncertain significance (1 of 4 stars; one submission).

Allele frequency attached by ClinVar (database versions not stated): gnomAD 0.00002.
gnomAD v4.1: 62 of 1,613,842 alleles (0.0038%); highest among the groups gnomAD compares: Non-Finnish European, 0.0052%; no homozygotes.

Submission:

Labcorp Genetics (formerly Invitae), Labcorp
Classification: Uncertain significance. Last evaluated: 2022-08-21. Review status: criteria provided, single submitter. Criteria: Invitae Variant Classification Sherloc (09022015). Collection method: clinical testing. Allele origin: germline.
Comment: In summary, the available evidence is currently insufficient to determine the role of this variant in disease. Therefore, it has been classified as a Variant of Uncertain Significance. Algorithms developed to predict the effect of missense changes on protein structure and function are either unavailable or do not agree on the potential impact of this missense change (SIFT: "Tolerated"; PolyPhen-2: "Probably Damaging"; Align-GVGD: "Class C0"). This variant has not been reported in the literature in individuals affected with CDAN1-related conditions. This variant is present in population databases (rs779110523, gnomAD 0.003%). This sequence change replaces glycine, which is neutral and non-polar, with glutamic acid, which is acidic and polar, at codon 845 of the CDAN1 protein (p.Gly845Glu).